The following is an entry in ClinVar:

ClinVar aggregate classification (germline): Uncertain significance. Review status: criteria provided, single submitter (1 of 4 stars). 2 submissions from 2 submitters: Uncertain significance (1). 1 of the submissions does not count toward it. Last evaluated 2024-11-24.

Conditions:
TSHZ1-related disorder. Also called: TSHZ1-related condition.

gnomAD v4.1: 32 of 1,614,000 alleles (0.002%); highest among the groups gnomAD compares: Middle Eastern, 0.033%; no homozygotes.

Submissions (2):

Ambry Genetics
Classification: Uncertain significance. Last evaluated: 2024-11-24. Review status: criteria provided, single submitter. Criteria: Ambry Variant Classification Scheme 2023. Collection method: clinical testing. Allele origin: germline.

PreventionGenetics, part of Exact Sciences
Classification: Uncertain significance for TSHZ1-related condition. Last evaluated: 2024-05-03. Review status: no assertion criteria provided. Collection method: clinical testing. Allele origin: germline. Not counted in ClinVar's aggregate classification.
Comment: The TSHZ1 c.1574C>T variant is predicted to result in the amino acid substitution p.Ala525Val. To our knowledge, this variant has not been reported in the literature. This variant is reported in 0.0065% of alleles in individuals of South Asian descent in gnomAD. At this time, the clinical significance of this variant is uncertain due to the absence of conclusive functional and genetic evidence.

NM_001308210.2(TSHZ1):c.1709C>T (p.Ala570Val)

Gene: TSHZ1 (teashirt zinc finger homeobox 1; plus strand). Cytogenetic location: 18q22.3.
Variant type: single nucleotide variant.
Coding change: c.1709C>T on transcript NM_001308210.2 (MANE Select); coding-DNA position 1709, C replaced by T.
Protein change: p.Ala570Val; replaces alanine 570 with valine.
Molecular consequence: missense variant.
Genome position (GRCh38, 1-based): chr18:75,287,116, C>T. VCF-style: chr18-75287116-C-T. GRCh37 (hg19) VCF-style: chr18-72999071-C-T.
Other names: c.1574C>T, p.Ala525Val (NM_005786.6); c.1574C>T (NM_005786.4); short protein forms A525V, A570V.
Identifiers: ClinVar variation 3349411 (VCV003349411.2).